The following is an entry in ClinVar:

ClinVar aggregate classification (germline): Uncertain significance (1 of 4 stars; one submission).

Allele frequency attached by ClinVar (database versions not stated): ExAC 0.00001; TOPMed 0.00001; gnomAD exomes 0.00002.
gnomAD v4.1: 29 of 1,592,358 alleles (0.0018%); highest among the groups gnomAD compares: Middle Eastern, 0.017%; no homozygotes.

Submission:

Labcorp Genetics (formerly Invitae), Labcorp
Classification: Uncertain significance. Last evaluated: 2022-07-31. Review status: criteria provided, single submitter. Criteria: Invitae Variant Classification Sherloc (09022015). Collection method: clinical testing. Allele origin: germline.
Comment: This sequence change replaces serine, which is neutral and polar, with asparagine, which is neutral and polar, at codon 563 of the MCM3AP protein (p.Ser563Asn). This variant is present in population databases (rs752179890, gnomAD 0.006%). This variant has not been reported in the literature in individuals affected with MCM3AP-related conditions. Algorithms developed to predict the effect of missense changes on protein structure and function output the following: SIFT: "Tolerated"; PolyPhen-2: "Possibly Damaging"; Align-GVGD: "Class C0". The asparagine amino acid residue is found in multiple mammalian species, which suggests that this missense change does not adversely affect protein function. In summary, the available evidence is currently insufficient to determine the role of this variant in disease. Therefore, it has been classified as a Variant of Uncertain Significance.

NM_003906.5(MCM3AP):c.1688G>A (p.Ser563Asn)

Gene: MCM3AP (minichromosome maintenance complex component 3 associated protein; minus strand). Cytogenetic location: 21q22.3.
Variant type: single nucleotide variant.
Coding change: c.1688G>A on transcript NM_003906.5 (MANE Select); coding-DNA position 1688, G replaced by A.
Protein change: p.Ser563Asn; replaces serine 563 with asparagine.
Molecular consequence: missense variant.
Genome position (GRCh38, 1-based): chr21:46,277,697, C>T on the plus strand (G>A on the coding strand, the complement: MCM3AP is on the minus strand). VCF-style: chr21-46277697-C-T. GRCh37 (hg19) VCF-style: chr21-47697611-C-T.
Other names: short protein forms S563N.
Identifiers: ClinVar variation 1901273 (VCV001901273.2), dbSNP rs752179890, ClinGen allele CA10077001.